The following is an entry in ClinVar:

ClinVar aggregate classification (germline): Pathogenic (1 of 4 stars; one submission).

Conditions:
Bohring-Opitz syndrome. Also called: C-LIKE SYNDROME; BOHRING SYNDROME; OPITZ TRIGONOCEPHALY-LIKE SYNDROME; ASXL1-Related Bohring-Opitz Syndrome. Identifiers: Orphanet 97297, MedGen C0796232, MONDO:0011510, OMIM 605039.

Submission:

MVZ Medizinische Genetik Mainz
Classification: Pathogenic for Bohring-Opitz syndrome. Last evaluated: 2023-06-14. Review status: criteria provided, single submitter. Criteria: UK Practice Guidelines For Variant Classification V4 01 2020. Collection method: clinical testing. Allele origin: germline. Inheritance: Autosomal dominant inheritance. Observed: 1 variant allele.
Comment: ACMG Criteria: PVS1,PM6,PM2_SUP

NM_015338.6(ASXL1):c.1109C>G (p.Ser370Ter)

Gene: ASXL1 (ASXL transcriptional regulator 1; plus strand). Cytogenetic location: 20q11.21.
Variant type: single nucleotide variant.
Coding change: c.1109C>G on transcript NM_015338.6 (MANE Select); coding-DNA position 1109, C replaced by G.
Protein change: p.Ser370Ter; replaces serine 370 with a stop codon.
Molecular consequence: nonsense.
Genome position (GRCh38, 1-based): chr20:32,433,307, C>G. VCF-style: chr20-32433307-C-G. GRCh37 (hg19) VCF-style: chr20-31021110-C-G.
Other names: c.926C>G, p.Ser309Ter (NM_001363734.1); short protein forms S309*, S370*.
Identifiers: ClinVar variation 3066302 (VCV003066302.1), dbSNP rs780526428, ClinGen allele CA408555831.